The following is an entry in ClinVar:

ClinVar aggregate classification (germline): Uncertain significance (1 of 4 stars; one submission).

Conditions:
Fanconi anemia (FA). Also called: Fanconi's anemia. Identifiers: Orphanet 84, MedGen C0015625, MeSH D005199, MONDO:0019391.

Submission:

Labcorp Genetics (formerly Invitae), Labcorp
Classification: Uncertain significance for Fanconi anemia. Last evaluated: 2022-01-17. Review status: criteria provided, single submitter. Criteria: Invitae Variant Classification Sherloc (09022015). Collection method: clinical testing. Allele origin: germline.
Comment: In summary, the available evidence is currently insufficient to determine the role of this variant in disease. Therefore, it has been classified as a Variant of Uncertain Significance. Algorithms developed to predict the effect of missense changes on protein structure and function are either unavailable or do not agree on the potential impact of this missense change (SIFT: "Tolerated"; PolyPhen-2: "Probably Damaging"; Align-GVGD: "Class C0"). This sequence change replaces leucine, which is neutral and non-polar, with isoleucine, which is neutral and non-polar, at codon 350 of the FANCF protein (p.Leu350Ile). This variant is not present in population databases (gnomAD no frequency). This variant has not been reported in the literature in individuals affected with FANCF-related conditions.

NM_022725.4(FANCF):c.1048C>A (p.Leu350Ile)

Genes: FANCF (FA complementation group F; minus strand), LOC130005443 (ATAC-STARR-seq lymphoblastoid active region 4533; plus strand). Cytogenetic location: 11p14.3.
Variant type: single nucleotide variant.
Coding change: c.1048C>A on transcript NM_022725.4 (MANE Select); coding-DNA position 1048, C replaced by A.
Protein change: p.Leu350Ile; replaces leucine 350 with isoleucine.
Molecular consequence: missense variant.
Genome position (GRCh38, 1-based): chr11:22,624,763, G>T on the plus strand (C>A on the coding strand, the complement: FANCF is on the minus strand). VCF-style: chr11-22624763-G-T. GRCh37 (hg19) VCF-style: chr11-22646309-G-T.
Other names: short protein forms L350I.
Identifiers: ClinVar variation 2086639 (VCV002086639.4), dbSNP rs368170054, ClinGen allele CA380057785.